The following is an entry in ClinVar:

ClinVar aggregate classification (germline): Uncertain significance (1 of 4 stars; one submission).

Allele frequency attached by ClinVar (database versions not stated): gnomAD exomes below 0.00001; ExAC 0.00001.
gnomAD v4.1: 8 of 1,613,758 alleles (0.0005%); highest among the groups gnomAD compares: South Asian, 0.0044%; no homozygotes.

Submission:

Labcorp Genetics (formerly Invitae), Labcorp
Classification: Uncertain significance. Last evaluated: 2022-02-23. Review status: criteria provided, single submitter. Criteria: Invitae Variant Classification Sherloc (09022015). Collection method: clinical testing. Allele origin: germline.
Comment: This sequence change falls in intron 62 of the CDH23 gene. It does not directly change the encoded amino acid sequence of the CDH23 protein. It affects a nucleotide within the consensus splice site. This variant is present in population databases (rs755084249, gnomAD 0.006%). This variant has not been reported in the literature in individuals affected with CDH23-related conditions. Variants that disrupt the consensus splice site are a relatively common cause of aberrant splicing (PMID: 17576681, 9536098). In summary, the available evidence is currently insufficient to determine the role of this variant in disease. Therefore, it has been classified as a Variant of Uncertain Significance.

Literature cited by the submitters: PubMed 17576681; PubMed 9536098.

NM_022124.6(CDH23):c.9077+3G>A

Gene: CDH23 (cadherin related 23; plus strand). Cytogenetic location: 10q22.1.
Variant type: single nucleotide variant.
Coding change: c.9077+3G>A on transcript NM_022124.6 (MANE Select); 3 bases into the intron after coding-DNA position 9077, G replaced by A.
Molecular consequence: intron variant.
Genome position (GRCh38, 1-based): chr10:71,810,572, G>A. VCF-style: chr10-71810572-G-A. GRCh37 (hg19) VCF-style: chr10-73570329-G-A.
Other names: c.2357+3G>A (NM_001171933.1, NM_001171934.1).
Identifiers: ClinVar variation 1900653 (VCV001900653.2), dbSNP rs755084249, ClinGen allele CA5546857.
Genomic context (GRCh38, chr10:71,810,572, plus strand): 5'-CAGAACTGCTTATCCACGTGGTGAACCGCGATACCAACCGCATCCTGGACGTGGACCGGT[G>A]AGTCGGGGCCTGTGTTTGGACTGTCAGCCTGTCTGTCTGCCTGCCTCCCTGCCCTGGAGT-3'